The following is an entry in ClinVar:

NM_004655.4(AXIN2):c.1059G>A (p.Pro353=)

Gene: AXIN2 (axin 2; minus strand). Cytogenetic location: 17q24.1.
Variant type: single nucleotide variant.
Coding change: c.1059G>A on transcript NM_004655.4 (MANE Select); coding-DNA position 1059, G replaced by A.
Protein change: p.Pro353=; no amino-acid change (proline 353 retained).
Molecular consequence: synonymous variant.
Genome position (GRCh38, 1-based): chr17:65,541,455, C>T on the plus strand (G>A on the coding strand, the complement: AXIN2 is on the minus strand). VCF-style: chr17-65541455-C-T. GRCh37 (hg19) VCF-style: chr17-63537573-C-T.
Other names: c.1059G>A, p.Pro353= (NM_001363813.1).
Identifiers: ClinVar variation 860384 (VCV000860384.10), dbSNP rs2044041468, ClinGen allele CA501476439.

ClinVar aggregate classification (germline): Uncertain significance. Review status: criteria provided, multiple submitters, no conflicts (2 of 4 stars). 2 submissions from 2 submitters: Uncertain significance (2). Last evaluated 2025-07-29.

Conditions:
Oligodontia-cancer predisposition syndrome. Also called: TOOTH AGENESIS-COLORECTAL CANCER SYNDROME. Identifiers: Orphanet 300576, MedGen C1837750, MONDO:0012075, OMIM 608615. Disease mechanism: loss of function.
Hereditary cancer-predisposing syndrome. Also called: Tumor predisposition; Hereditary neoplastic syndrome; Neoplastic Syndromes, Hereditary; Hereditary Cancer Syndrome. Identifiers: Orphanet 140162, MedGen C0027672, MeSH D009386, MONDO:0015356.

Submissions (2):

Labcorp Genetics (formerly Invitae), Labcorp
Classification: Uncertain significance for Oligodontia-cancer predisposition syndrome. Last evaluated: 2025-07-29. Review status: criteria provided, single submitter. Criteria: Invitae Variant Classification Sherloc (09022015). Collection method: clinical testing. Allele origin: germline.
Comment: This sequence change affects codon 353 of the AXIN2 mRNA. It is a 'silent' change, meaning that it does not change the encoded amino acid sequence of the AXIN2 protein. This variant also falls at the last nucleotide of exon 4, which is part of the consensus splice site for this exon. This variant is not present in population databases (gnomAD no frequency). This variant has not been reported in the literature in individuals affected with AXIN2-related conditions. ClinVar contains an entry for this variant (Variation ID: 860384). Variants that disrupt the consensus splice site are a relatively common cause of aberrant splicing (PMID: 17576681, 9536098). Algorithms developed to predict the effect of sequence changes on RNA splicing suggest that this variant is not likely to affect RNA splicing. In summary, the available evidence is currently insufficient to determine the role of this variant in disease. Therefore, it has been classified as a Variant of Uncertain Significance.

Ambry Genetics
Classification: Uncertain significance for Hereditary cancer-predisposing syndrome. Last evaluated: 2025-04-28. Review status: criteria provided, single submitter. Criteria: Ambry Variant Classification Scheme 2023. Collection method: clinical testing. Allele origin: germline.
Comment: The c.1059G>A variant (also known as p.P353P), located in coding exon 3 of the AXIN2 gene, results from a G to A substitution at nucleotide position 1059. This nucleotide substitution does not change the amino acid at codon 353. However, this change occurs in the last base pair of coding exon 3, which makes it likely to have some effect on normal mRNA splicing. This nucleotide position is not well conserved in available vertebrate species. In silico splice site analysis for this alteration is inconclusive and direct evidence is insufficient at this time (Ambry internal data). Based on the available evidence, the clinical significance of this variant remains unclear.

Literature cited by the submitters: PubMed 17576681 (cited by Labcorp Genetics (formerly Invitae), Labcorp); PubMed 9536098 (cited by Labcorp Genetics (formerly Invitae), Labcorp).